The following is an entry in ClinVar:

ClinVar aggregate classification (germline): Uncertain significance (1 of 4 stars; one submission).

Submission:

Labcorp Genetics (formerly Invitae), Labcorp
Classification: Uncertain significance. Last evaluated: 2024-08-15. Review status: criteria provided, single submitter. Criteria: Invitae Variant Classification Sherloc (09022015). Collection method: clinical testing. Allele origin: germline.
Comment: This sequence change replaces alanine, which is neutral and non-polar, with proline, which is neutral and non-polar, at codon 800 of the ACTN1 protein (p.Ala800Pro). This variant is not present in population databases (gnomAD no frequency). This variant has not been reported in the literature in individuals affected with ACTN1-related conditions. Invitae Evidence Modeling of protein sequence and biophysical properties (such as structural, functional, and spatial information, amino acid conservation, physicochemical variation, residue mobility, and thermodynamic stability) indicates that this missense variant is not expected to disrupt ACTN1 protein function with a negative predictive value of 80%. In summary, the available evidence is currently insufficient to determine the role of this variant in disease. Therefore, it has been classified as a Variant of Uncertain Significance.

NM_001130004.2(ACTN1):c.2398G>C (p.Ala800Pro)

Gene: ACTN1 (actinin alpha 1; minus strand). Cytogenetic location: 14q24.1.
Variant type: single nucleotide variant.
Coding change: c.2398G>C on transcript NM_001130004.2 (MANE Select); coding-DNA position 2398, G replaced by C.
Protein change: p.Ala800Pro; replaces alanine 800 with proline.
Molecular consequence: missense variant. On other transcripts: intron variant (16).
Genome position (GRCh38, 1-based): chr14:68,878,487, C>G on the plus strand (G>C on the coding strand, the complement: ACTN1 is on the minus strand). VCF-style: chr14-68878487-C-G. GRCh37 (hg19) VCF-style: chr14-69345204-C-G.
Other names: c.2317G>C, p.Ala773Pro (NM_001130005.2, NM_001424014.1); c.2341G>C, p.Ala781Pro (NM_001411035.1); c.2254G>C, p.Ala752Pro (NM_001424022.1); c.2215G>C, p.Ala739Pro (NM_001424024.1); c.2134G>C, p.Ala712Pro (NM_001424027.1); c.2122G>C, p.Ala708Pro (NM_001424028.1); c.2098-1247G>C (NM_001424029.1); c.2178+502G>C (NM_001424025.1, NM_001424019.1); and 11 more; short protein forms A712P, A752P, A708P, A773P, A739P, A781P, A800P.
Identifiers: ClinVar variation 3662605 (VCV003662605.2).